The following is an entry in ClinVar:

NM_001256545.2(MEGF10):c.*2114T>C

Gene: MEGF10 (multiple EGF like domains 10; plus strand). Cytogenetic location: 5q23.2.
Variant type: single nucleotide variant.
Coding change: c.*2114T>C on transcript NM_001256545.2 (MANE Select); 2114 bases downstream of the stop codon, T replaced by C.
Molecular consequence: 3 prime UTR variant.
Genome position (GRCh38, 1-based): chr5:127,459,432, T>C. VCF-style: chr5-127459432-T-C. GRCh37 (hg19) VCF-style: chr5-126795124-T-C.
Other names: c.*2114T>C (NM_032446.3).
Identifiers: ClinVar variation 350699 (VCV000350699.6), dbSNP rs77171194, ClinGen allele CA10620065.

ClinVar aggregate classification (germline): Likely benign. Review status: criteria provided, multiple submitters, no conflicts (2 of 4 stars). 2 submissions from 2 submitters: Likely benign (2). Last evaluated 2018-01-13.

Conditions:
MEGF10-related myopathy (CMYO10A). Also called: Congenital myopathy 10A, severe variant. Identifiers: Orphanet 439212, MedGen C3280679, MONDO:0013731, OMIM 614399.

Allele frequency attached by ClinVar (database versions not stated): TOPMed 0.05193; gnomAD 0.05204; 1000 Genomes Project 30x 0.06918; 1000 Genomes Project 0.07248; gnomAD exomes 0.25000.
gnomAD v4.1: 8,125 of 152,274 alleles (5.3%); highest among the groups gnomAD compares: Middle Eastern, 13%; 244 homozygotes.

Submissions (2):

Illumina Laboratory Services, Illumina
Classification: Likely benign for MEGF10-related myopathy. Last evaluated: 2018-01-13. Review status: criteria provided, single submitter. Criteria: ICSL Variant Classification Criteria 13 December 2019. Collection method: clinical testing. Allele origin: germline.
Comment: This variant was observed in the ICSL laboratory as part of a predisposition screen in an ostensibly healthy population. It had not been previously curated by ICSL or reported in the Human Gene Mutation Database (HGMD: prior to June 1st, 2018), and was therefore a candidate for classification through an automated scoring system. Utilizing variant allele frequency, disease prevalence and penetrance estimates, and inheritance mode, an automated score was calculated to assess if this variant is too frequent to cause the disease. Based on the score and internal cut-off values, a variant classified as likely benign is not then subjected to further curation. The score for this variant resulted in a classification of likely benign for this disease.

Breakthrough Genomics
Classification: Likely benign. Review status: criteria provided, single submitter. Criteria: ACMG Guidelines, 2015. Collection method: not provided. Allele origin: germline. Inheritance: Autosomal recessive inheritance. Affected: yes.